The following is an entry in ClinVar:

ClinVar aggregate classification (germline): Uncertain significance (1 of 4 stars; one submission).

Allele frequency attached by ClinVar (database versions not stated): gnomAD exomes below 0.00001; ExAC 0.00001; gnomAD 0.00001; TOPMed 0.00001.

Submission:

Labcorp Genetics (formerly Invitae), Labcorp
Classification: Uncertain significance. Last evaluated: 2022-02-05. Review status: criteria provided, single submitter. Criteria: Invitae Variant Classification Sherloc (09022015). Collection method: clinical testing. Allele origin: germline.
Comment: In summary, the available evidence is currently insufficient to determine the role of this variant in disease. Therefore, it has been classified as a Variant of Uncertain Significance. Algorithms developed to predict the effect of missense changes on protein structure and function (SIFT, PolyPhen-2, Align-GVGD) all suggest that this variant is likely to be tolerated. ClinVar contains an entry for this variant (Variation ID: 1043126). This variant has not been reported in the literature in individuals affected with EIF2B1-related conditions. The frequency data for this variant in the population databases is considered unreliable, as metrics indicate poor data quality at this position in the gnomAD database. This sequence change replaces alanine, which is neutral and non-polar, with valine, which is neutral and non-polar, at codon 221 of the EIF2B1 protein (p.Ala221Val).

NM_001414.4(EIF2B1):c.662C>T (p.Ala221Val)

Gene: EIF2B1 (eukaryotic translation initiation factor 2B subunit alpha; minus strand). Cytogenetic location: 12q24.31.
Variant type: single nucleotide variant.
Coding change: c.662C>T on transcript NM_001414.4 (MANE Select); coding-DNA position 662, C replaced by T.
Protein change: p.Ala221Val; replaces alanine 221 with valine.
Molecular consequence: missense variant.
Genome position (GRCh38, 1-based): chr12:123,622,727, G>A on the plus strand (C>T on the coding strand, the complement: EIF2B1 is on the minus strand). VCF-style: chr12-123622727-G-A. GRCh37 (hg19) VCF-style: chr12-124107274-G-A.
Other names: short protein forms A221V.
Identifiers: ClinVar variation 1043126 (VCV001043126.8), dbSNP rs750943259, ClinGen allele CA6859981.